The following is an entry in ClinVar:

ClinVar aggregate classification (germline): Uncertain significance (1 of 4 stars; one submission).

Submission:

Labcorp Genetics (formerly Invitae), Labcorp
Classification: Uncertain significance. Last evaluated: 2023-07-07. Review status: criteria provided, single submitter. Criteria: Invitae Variant Classification Sherloc (09022015). Collection method: clinical testing. Allele origin: germline.
Comment: This sequence change falls in intron 7 of the RUNX2 gene. It does not directly change the encoded amino acid sequence of the RUNX2 protein. It affects a nucleotide within the consensus splice site. This variant is not present in population databases (gnomAD no frequency). This variant has not been reported in the literature in individuals affected with RUNX2-related conditions. Variants that disrupt the consensus splice site are a relatively common cause of aberrant splicing (PMID: 17576681, 9536098). Algorithms developed to predict the effect of sequence changes on RNA splicing suggest that this variant may disrupt the consensus splice site. In summary, the available evidence is currently insufficient to determine the role of this variant in disease. Therefore, it has been classified as a Variant of Uncertain Significance.

Literature cited by the submitters: PubMed 17576681; PubMed 9536098.

NM_001024630.4(RUNX2):c.1021+3A>T

Gene: RUNX2 (RUNX family transcription factor 2; plus strand). Cytogenetic location: 6p21.1.
Variant type: single nucleotide variant.
Coding change: c.1021+3A>T on transcript NM_001024630.4 (MANE Select); 3 bases into the intron after coding-DNA position 1021, A replaced by T.
Molecular consequence: intron variant.
Genome position (GRCh38, 1-based): chr6:45,512,410, A>T. VCF-style: chr6-45512410-A-T. GRCh37 (hg19) VCF-style: chr6-45480147-A-T.
Other names: c.1021+3A>T (NM_001015051.4); c.979+3A>T (NM_001369405.1, NM_001278478.2).
Identifiers: ClinVar variation 2859543 (VCV002859543.3), dbSNP rs2548650499, ClinGen allele CA2739273083.